The following is an entry in ClinVar:

ClinVar aggregate classification (germline): Likely pathogenic (1 of 4 stars; one submission).

Conditions:
Progressive external ophthalmoplegia with mitochondrial DNA deletions, autosomal dominant 3. Also called: PROGRESSIVE EXTERNAL OPHTHALMOPLEGIA, AUTOSOMAL DOMINANT 3. Identifiers: MedGen C1836439, MONDO:0012241, OMIM 609286.

Allele frequency attached by ClinVar (database versions not stated): gnomAD exomes below 0.00001.
gnomAD v4.1: 2 of 1,614,132 alleles (0.00012%); highest among the groups gnomAD compares: Admixed American, 0.0017%; no homozygotes.

Submission:

Women's Health and Genetics/Laboratory Corporation of America, LabCorp
Classification: Likely pathogenic for Progressive external ophthalmoplegia with mitochondrial DNA deletions, autosomal dominant 3. Last evaluated: 2023-01-28. Review status: criteria provided, single submitter. Criteria: LabCorp Variant Classification Summary - May 2015. Collection method: clinical testing. Allele origin: germline.
Comment: Variant summary: C10orf2 c.718C>T (p.Arg240X) results in a premature termination codon, predicted to cause a truncation of the encoded protein or absence of the protein due to nonsense mediated decay, which are commonly known mechanisms for disease. Truncations downstream of this position have been classified as pathogenic within ClinVar (e.g. c.853C>T [p.Arg285Ter], c.1462_1463del [p.Phe488fs]). The variant was absent in 251456 control chromosomes (gnomAD). To our knowledge, no occurrence of c.718C>T in individuals affected with Progressive External Ophthalmoplegia With Mitochondrial DNA Deletions, Autosomal Dominant 3 and no experimental evidence demonstrating its impact on protein function have been reported. No clinical diagnostic laboratories have submitted clinical-significance assessments for this variant to ClinVar after 2014. Based on the evidence outlined above, the variant was classified as likely pathogenic.

NM_021830.5(TWNK):c.718C>T (p.Arg240Ter)

Gene: TWNK (twinkle mtDNA helicase; plus strand). Cytogenetic location: 10q24.31.
Variant type: single nucleotide variant.
Coding change: c.718C>T on transcript NM_021830.5 (MANE Select); coding-DNA position 718, C replaced by T.
Protein change: p.Arg240Ter; replaces arginine 240 with a stop codon.
Molecular consequence: nonsense. On other transcripts: non-coding transcript variant (4), intron variant (3).
Genome position (GRCh38, 1-based): chr10:100,988,928, C>T. VCF-style: chr10-100988928-C-T. GRCh37 (hg19) VCF-style: chr10-102748685-C-T.
Other names: c.718C>T, p.Arg240Ter (NM_001163812.2); c.-119-716C>T (NM_001163814.2, NM_001163813.2); c.-57-778C>T (NM_001368275.1); short protein forms R240*.
Identifiers: ClinVar variation 2429279 (VCV002429279.3), dbSNP rs757838397, ClinGen allele CA212962980.
Genomic context (GRCh38, chr10:100,988,928, plus strand): 5'-AAGCTCCTAGAGGCTAAATGCCAGGGGGATGGAGTGAGCTACGAGGAAACCACTATTCCC[C>T]GACCCAGCGCCTACCACAATCTGTTTGGATTACCACTGATTAGTCGTCGAGATGCTGAGG-3'